The following is an entry in ClinVar:

ClinVar aggregate classification (germline): Benign (0 of 4 stars; one submission).

Conditions:
TTC21A-related disorder. Also called: TTC21A-related condition.

Allele frequency attached by ClinVar (database versions not stated): 1000 Genomes Project 30x 0.01624; 1000 Genomes Project 0.01677; TOPMed 0.02893; gnomAD 0.03090; ExAC 0.03261; ESP Exome Variant Server 0.03777; gnomAD exomes 0.04447.
gnomAD v4.1: 69,672 of 1,614,148 alleles (4.3%); highest among the groups gnomAD compares: Non-Finnish European, 5%; 1,834 homozygotes.

Submission:

PreventionGenetics, part of Exact Sciences
Classification: Benign for TTC21A-related condition. Last evaluated: 2024-05-16. Review status: no assertion criteria provided. Collection method: clinical testing. Allele origin: germline.
Comment: This variant is classified as benign based on ACMG/AMP sequence variant interpretation guidelines (Richards et al. 2015 PMID: 25741868, with internal and published modifications).

NM_001366900.1(TTC21A):c.1843C>T (p.Arg615Trp)

Gene: TTC21A (tetratricopeptide repeat domain 21A; plus strand). Cytogenetic location: 3p22.2.
Variant type: single nucleotide variant.
Coding change: c.1843C>T on transcript NM_001366900.1 (MANE Select); coding-DNA position 1843, C replaced by T.
Protein change: p.Arg615Trp; replaces arginine 615 with tryptophan.
Molecular consequence: missense variant. On other transcripts: non-coding transcript variant (3).
Genome position (GRCh38, 1-based): chr3:39,128,879, C>T. VCF-style: chr3-39128879-C-T. GRCh37 (hg19) VCF-style: chr3-39170370-C-T.
Other names: c.1720C>T, p.Arg574Trp (NM_001105513.3); c.1867C>T, p.Arg623Trp (NM_001366899.1); c.1864C>T, p.Arg622Trp (NM_145755.3); short protein forms R574W, R615W, R622W, R623W.
Identifiers: ClinVar variation 3055427 (VCV003055427.2), dbSNP rs35581078, ClinGen allele CA2324501.
Genomic context (GRCh38, chr3:39,128,879, plus strand): 5'-CCAGCTCTGAAGAAGGAAGAAGGCAGAAAGTTCCTCAGGCCCTCTGTGCAGCCTAGCCAG[C>T]GGGCATCCATCTTATTGGAACTGGTGGAGGCCCTCCGGCTGAATGGGGAGCTAGTAAGAA-3'
Protein context (NP_001353829.1, residues 605-625): FLRPSVQPSQ[Arg615Trp]ASILLELVEA